The following is an entry in ClinVar:

NM_033305.3(VPS13A):c.6590C>T (p.Ala2197Val)

Gene: VPS13A (vacuolar protein sorting 13 homolog A; plus strand). Cytogenetic location: 9q21.2.
Variant type: single nucleotide variant.
Coding change: c.6590C>T on transcript NM_033305.3 (MANE Select); coding-DNA position 6590, C replaced by T.
Protein change: p.Ala2197Val; replaces alanine 2197 with valine.
Molecular consequence: missense variant.
Genome position (GRCh38, 1-based): chr9:77,339,727, C>T. VCF-style: chr9-77339727-C-T. GRCh37 (hg19) VCF-style: chr9-79954643-C-T.
Other names: c.6473C>T, p.Ala2158Val (NM_001018037.2); c.6590C>T, p.Ala2197Val (NM_001018038.3, NM_015186.4); short protein forms A2158V, A2197V.
Identifiers: ClinVar variation 5017307 (VCV005017307.1).

ClinVar aggregate classification (germline): Uncertain significance (1 of 4 stars; one submission).

Submission:

GeneDx
Classification: Uncertain significance. Last evaluated: 2026-03-27. Review status: criteria provided, single submitter. Criteria: GeneDx Variant Classification Process June 2021. Collection method: clinical testing. Allele origin: germline.
Comment: Not observed at significant frequency in large population cohorts (gnomAD); In silico analysis supports that this missense variant has a deleterious effect on protein structure/function; Has not been previously published as pathogenic or benign to our knowledge